The following is an entry in ClinVar:

NC_000001.11:g.(?_183577579)_(183577727_?)dup

Gene: NCF2 (neutrophil cytosolic factor 2; minus strand). Cytogenetic location: 1q25.3.
Variant type: Duplication.
Identifiers: ClinVar variation 832066 (VCV000832066.7).

ClinVar aggregate classification (germline): Likely pathogenic (1 of 4 stars; one submission).

Conditions:
Granulomatous disease, chronic, autosomal recessive, cytochrome b-positive, type 2. Also called: GRANULOMATOUS DISEASE, CHRONIC, AUTOSOMAL RECESSIVE, 2; CGD, AUTOSOMAL RECESSIVE CYTOCHROME b-POSITIVE, TYPE II; GRANULOMATOUS DISEASE, CHRONIC, DUE TO NCF2 DEFICIENCY; Chronic granulomatous disease due to deficiency of NCF-2; Chronic Granulomatous Disease, Autosomal Recessive, Cytochrome b-Positive, Type II. Identifiers: Orphanet 379, MedGen C1856245, MONDO:0009310, OMIM 233710.

Submission:

Labcorp Genetics (formerly Invitae), Labcorp
Classification: Likely pathogenic for Granulomatous disease, chronic, autosomal recessive, cytochrome b-positive, type 2. Last evaluated: 2023-06-14. Review status: criteria provided, single submitter. Criteria: Invitae Variant Classification Sherloc (09022015). Collection method: clinical testing. Allele origin: germline.
Comment: In summary, the currently available evidence indicates that the variant is pathogenic, but additional data are needed to prove that conclusively. Therefore, this variant has been classified as Likely Pathogenic. This variant has not been reported in the literature in individuals affected with NCF2-related conditions. This variant results in a copy number gain of the genomic region encompassing exon(s) 3 of the NCF2 gene. While the exact position of this variant cannot be determined from the data, sub-genic copy number gains are generally in tandem (PMID: 25640679). This variant is predicted to be out-of-frame, and may result in an absent or disrupted protein product. Loss-of-function variants in NCF2 are known to be pathogenic (PMID: 10498624, 20167518).

Literature cited by the submitters: PubMed 25640679; PubMed 10498624; PubMed 20167518.